The following is an entry in ClinVar:

NM_005502.4(ABCA1):c.6346A>G (p.Ile2116Val)

Genes: ABCA1 (ATP binding cassette subfamily A member 1; minus strand), NIPSNAP3B (nipsnap homolog 3B; plus strand). Cytogenetic location: 9q31.1.
Variant type: single nucleotide variant.
Coding change: c.6346A>G on transcript NM_005502.4 (MANE Select); coding-DNA position 6346, A replaced by G.
Protein change: p.Ile2116Val; replaces isoleucine 2116 with valine.
Molecular consequence: missense variant.
Genome position (GRCh38, 1-based): chr9:104,786,353, T>C on the plus strand (A>G on the coding strand, the complement: ABCA1 is on the minus strand). VCF-style: chr9-104786353-T-C. GRCh37 (hg19) VCF-style: chr9-107548634-T-C.
Other names: short protein forms I2116V.
Identifiers: ClinVar variation 1698640 (VCV001698640.4), dbSNP rs752356763, ClinGen allele CA5167564.
Genomic context (GRCh38, chr9:104,786,353, plus strand): 5'-ATTACCTATTTTTTAGATGCTGGACACTGCCAAGGCACCTGAACCTTCCATTGACCATGA[T>C]TGCCATCCTAGTGCAAAGAGCTTCACATTCTTCCATACTGCGGTAAAACAGAAAGAGGTT-3'
Protein context (NP_005493.2, residues 2106-2126): ECEALCTRMA[Ile2116Val]MVNGRFRCLG

ClinVar aggregate classification (germline): Uncertain significance. Review status: criteria provided, multiple submitters, no conflicts (2 of 4 stars). 2 submissions from 2 submitters: Uncertain significance (2). Last evaluated 2023-07-13.

Conditions:
Cardiovascular phenotype. Identifiers: MedGen CN230736.

Allele frequency attached by ClinVar (database versions not stated): ExAC 0.00001; gnomAD 0.00001; gnomAD exomes 0.00001.
gnomAD v4.1: 23 of 1,614,046 alleles (0.0014%); highest among the groups gnomAD compares: Non-Finnish European, 0.0017%; no homozygotes.

Submissions (2):

Ambry Genetics
Classification: Uncertain significance for Cardiovascular phenotype. Last evaluated: 2023-07-13. Review status: criteria provided, single submitter. Criteria: Ambry Variant Classification Scheme 2023. Collection method: clinical testing. Allele origin: germline.
Comment: The p.I2116V variant (also known as c.6346A>G), located in coding exon 47 of the ABCA1 gene, results from an A to G substitution at nucleotide position 6346. The isoleucine at codon 2116 is replaced by valine, an amino acid with highly similar properties. This amino acid position is conserved. In addition, this alteration is predicted to be deleterious by in silico analysis. Since supporting evidence is limited at this time, the clinical significance of this alteration remains unclear.

Women's Health and Genetics/Laboratory Corporation of America, LabCorp
Classification: Uncertain significance. Last evaluated: 2022-06-26. Review status: criteria provided, single submitter. Criteria: LabCorp Variant Classification Summary - May 2015. Collection method: clinical testing. Allele origin: germline.